The following is an entry in ClinVar:

ClinVar aggregate classification (germline): Benign (1 of 4 stars; one submission).

Conditions:
Methylmalonic aciduria, cblA type (MACA). Also called: Methylmalonic aciduria, vitamin b12-responsive, due to defect in synthesis of adenosylcobalamin, cbla complementation type; MMA cbl A type; Methylmalonic acidemia cblA type; Methylmalonic aciduria, vitamin B12-responsive; Vitamin B12-responsive methylmalonic acidemia type cblA. Identifiers: Orphanet 28, Orphanet 79310, MedGen C1855109, MONDO:0009613, OMIM 251100.

Allele frequency attached by ClinVar (database versions not stated): gnomAD 0.02089 and 0.02233; TOPMed 0.02343; 1000 Genomes Project 0.02576; 1000 Genomes Project 30x 0.02795.

Submission:

Illumina Laboratory Services, Illumina
Classification: Benign for Methylmalonic aciduria, cblA type. Last evaluated: 2018-01-13. Review status: criteria provided, single submitter. Criteria: ICSL Variant Classification Criteria 13 December 2019. Collection method: clinical testing. Allele origin: germline.
Comment: This variant was observed in the ICSL laboratory as part of a predisposition screen in an ostensibly healthy population. It had not been previously curated by ICSL or reported in the Human Gene Mutation Database (HGMD: prior to June 1st, 2018), and was therefore a candidate for classification through an automated scoring system. Utilizing variant allele frequency, disease prevalence and penetrance estimates, and inheritance mode, an automated score was calculated to assess if this variant is too frequent to cause the disease. Based on the score and internal cut-off values, a variant classified as benign is not then subjected to further curation. The score for this variant resulted in a classification of benign for this disease.

NM_172250.3(MMAA):c.*2372T>A

Gene: MMAA (metabolism of cobalamin associated A; plus strand). Cytogenetic location: 4q31.21.
Variant type: single nucleotide variant.
Coding change: c.*2372T>A on transcript NM_172250.3 (MANE Select); 2372 bases downstream of the stop codon, T replaced by A.
Molecular consequence: 3 prime UTR variant.
Genome position (GRCh38, 1-based): chr4:145,657,806, T>A. VCF-style: chr4-145657806-T-A. GRCh37 (hg19) VCF-style: chr4-146578958-T-A.
Identifiers: ClinVar variation 347642 (VCV000347642.5), dbSNP rs74719174, ClinGen allele CA10617131.